The following is an entry in ClinVar:

ClinVar aggregate classification (germline): Uncertain significance (1 of 4 stars; one submission).

Conditions:
Inborn genetic diseases. Identifiers: MedGen C0950123, MeSH D030342.

Allele frequency attached by ClinVar (database versions not stated): ExAC 0.00001; gnomAD 0.00001; gnomAD exomes 0.00001; 1000 Genomes Project 0.00020; 1000 Genomes Project 30x 0.00031.
gnomAD v4.1: 9 of 1,613,988 alleles (0.00056%); highest among the groups gnomAD compares: Admixed American, 0.015%; no homozygotes.

Submission:

Ambry Genetics
Classification: Uncertain significance for Inborn genetic diseases. Last evaluated: 2017-11-21. Review status: criteria provided, single submitter. Criteria: Ambry Variant Classification Scheme 2023. Collection method: clinical testing. Allele origin: germline.
Comment: The p.S1674F variant (also known as c.5021C>T), located in coding exon 19 of the ARID1B gene, results from a C to T substitution at nucleotide position 5021. The serine at codon 1674 is replaced by phenylalanine, an amino acid with highly dissimilar properties. This amino acid position is well conserved in available vertebrate species. In addition, the in silico prediction for this alteration is inconclusive. Since supporting evidence is limited at this time, the clinical significance of this alteration remains unclear.

NM_001374828.1(ARID1B):c.5390C>T (p.Ser1797Phe)

Gene: ARID1B (AT-rich interaction domain 1B; plus strand). Cytogenetic location: 6q25.3.
Variant type: single nucleotide variant.
Coding change: c.5390C>T on transcript NM_001374828.1 (MANE Select); coding-DNA position 5390, C replaced by T.
Protein change: p.Ser1797Phe; replaces serine 1797 with phenylalanine.
Molecular consequence: missense variant.
Genome position (GRCh38, 1-based): chr6:157,203,992, C>T. VCF-style: chr6-157203992-C-T. GRCh37 (hg19) VCF-style: chr6-157525126-C-T.
Other names: c.5141C>T, p.Ser1714Phe (NM_001346813.1); c.2891C>T, p.Ser964Phe (NM_001363725.2); c.5270C>T, p.Ser1757Phe (NM_001371656.1, NM_001374820.1); c.5231C>T, p.Ser1744Phe (NM_017519.3); c.5021C>T, p.Ser1674Phe (NM_020732.3); c.4808C>T, p.Ser1603Phe (NM_175863.2); short protein forms S1714F, S1603F, S1674F, S1744F, S1797F, S964F, S1757F.
Identifiers: ClinVar variation 1744843 (VCV001744843.2), dbSNP rs190027529, ClinGen allele CA4067802.
Genomic context (GRCh38, chr6:157,203,992, plus strand): 5'-CTTTGGACACTATTAATATTCTTCTGTATGATGACAGCACTGTTGCTACTTTCAATCTCT[C>T]CCAGGTAAGCCAGCATAGTCCAACTAACAACCAAATTAGGATAGGAGAGCATCAGGCCAT-3'
Protein context (NP_001361757.1, residues 1787-1807): DDSTVATFNL[Ser1797Phe]QLSGFLELLV